The following is an entry in ClinVar:

NM_006766.5(KAT6A):c.3184G>T (p.Glu1062Ter)

Gene: KAT6A (lysine acetyltransferase 6A; minus strand). Cytogenetic location: 8p11.21.
Variant type: single nucleotide variant.
Coding change: c.3184G>T on transcript NM_006766.5 (MANE Select); coding-DNA position 3184, G replaced by T.
Protein change: p.Glu1062Ter; replaces glutamic acid 1062 with a stop codon.
Molecular consequence: nonsense.
Genome position (GRCh38, 1-based): chr8:41,937,424, C>A on the plus strand (G>T on the coding strand, the complement: KAT6A is on the minus strand). VCF-style: chr8-41937424-C-A. GRCh37 (hg19) VCF-style: chr8-41794942-C-A.
Other names: short protein forms E1062*.
Identifiers: ClinVar variation 523839 (VCV000523839.2), dbSNP rs1554680840, ClinGen allele CA371070557.

ClinVar aggregate classification (germline): Likely pathogenic (1 of 4 stars; one submission).

Submission:

GeneDx
Classification: Likely pathogenic. Last evaluated: 2018-03-20. Review status: criteria provided, single submitter. Criteria: GeneDx Variant Classification (06012015). Collection method: clinical testing. Allele origin: germline. Affected: yes.
Comment: The E1062X variant has not been published as a pathogenic variant, nor has it been reported as a benign variant to our knowledge. The E1062X variant is not observed in large population cohorts (Lek et al., 2016). This variant is predicted to cause loss of normal protein function either through protein truncation or nonsense-mediated mRNA decay. Therefore, this variant is likely pathogenic; however, the possibility that it is benign cannot be excluded.